The following is an entry in ClinVar:

NM_000264.5(PTCH1):c.877G>C (p.Asp293His)

Gene: PTCH1 (patched 1; minus strand). Cytogenetic location: 9q22.32.
Variant type: single nucleotide variant.
Coding change: c.877G>C on transcript NM_000264.5 (MANE Select); coding-DNA position 877, G replaced by C.
Protein change: p.Asp293His; replaces aspartic acid 293 with histidine.
Molecular consequence: missense variant. On other transcripts: non-coding transcript variant (1).
Genome position (GRCh38, 1-based): chr9:95,480,458, C>G on the plus strand (G>C on the coding strand, the complement: PTCH1 is on the minus strand). VCF-style: chr9-95480458-C-G. GRCh37 (hg19) VCF-style: chr9-98242740-C-G.
Other names: c.679G>C, p.Asp227His (NM_001083602.3); c.874G>C, p.Asp292His (NM_001083603.3); c.424G>C, p.Asp142His (NM_001083604.3, NM_001083605.3, NM_001083606.3 and 1 more transcripts); c.877G>C, p.Asp293His (NM_001354918.2); short protein forms D142H, D227H, D292H, D293H.
Identifiers: ClinVar variation 4282172 (VCV004282172.1).

ClinVar aggregate classification (germline): Uncertain significance (1 of 4 stars; one submission).

Submission:

GeneDx
Classification: Uncertain significance. Last evaluated: 2025-04-17. Review status: criteria provided, single submitter. Criteria: GeneDx Variant Classification Process June 2021. Collection method: clinical testing. Allele origin: germline. Affected: yes.
Comment: Not observed at significant frequency in large population cohorts (gnomAD); In silico analysis supports that this missense variant has a deleterious effect on protein structure/function; Has not been previously published as pathogenic or benign to our knowledge; This variant is associated with the following publications: (PMID: 8906794)